The following is an entry in ClinVar:

NM_005413.4(SIX3):c.382C>T (p.His128Tyr)

Gene: SIX3 (SIX homeobox 3; plus strand). Cytogenetic location: 2p21.
Variant type: single nucleotide variant.
Coding change: c.382C>T on transcript NM_005413.4 (MANE Select); coding-DNA position 382, C replaced by T.
Protein change: p.His128Tyr; replaces histidine 128 with tyrosine.
Molecular consequence: missense variant.
Genome position (GRCh38, 1-based): chr2:44,942,486, C>T. VCF-style: chr2-44942486-C-T. GRCh37 (hg19) VCF-style: chr2-45169625-C-T.
Other names: short protein forms H128Y.
Identifiers: ClinVar variation 2650864 (VCV002650864.27), dbSNP rs2466514021, ClinGen allele CA346799457.
Genomic context (GRCh38, chr2:44,942,486, plus strand): 5'-CTGGGCCGCTTCCTCTGGTCGCTGCCCGTGGCCCCCGGGGCGTGCGAGGCCATCAACAAA[C>T]ACGAGTCGATCCTGCGCGCGCGCGCCGTGGTCGCCTTCCACACGGGCAACTTCCGCGACC-3'
Protein context (NP_005404.1, residues 118-138): APGACEAINK[His128Tyr]ESILRARAVV

ClinVar aggregate classification (germline): Uncertain significance. Review status: criteria provided, multiple submitters, no conflicts (2 of 4 stars). 2 submissions from 2 submitters: Uncertain significance (2). Last evaluated 2023-12-27.

Conditions:
Holoprosencephaly 2 (HPE2). Identifiers: Orphanet 2162, MedGen C1834877, MONDO:0007999, OMIM 157170.

Submissions (2):

Labcorp Genetics (formerly Invitae), Labcorp
Classification: Uncertain significance for Holoprosencephaly 2. Last evaluated: 2023-12-27. Review status: criteria provided, single submitter. Criteria: Invitae Variant Classification Sherloc (09022015). Collection method: clinical testing. Allele origin: germline.
Comment: This sequence change replaces histidine, which is basic and polar, with tyrosine, which is neutral and polar, at codon 128 of the SIX3 protein (p.His128Tyr). This variant is not present in population databases (gnomAD no frequency). This variant has not been reported in the literature in individuals affected with SIX3-related conditions. ClinVar contains an entry for this variant (Variation ID: 2650864). An algorithm developed to predict the effect of missense changes on protein structure and function (PolyPhen-2) suggests that this variant is likely to be disruptive. In summary, the available evidence is currently insufficient to determine the role of this variant in disease. Therefore, it has been classified as a Variant of Uncertain Significance.

CeGaT Center for Human Genetics Tuebingen
Classification: Uncertain significance. Last evaluated: 2023-09-01. Review status: criteria provided, single submitter. Criteria: CeGaT Center For Human Genetics Tuebingen Variant Classification Criteria Version 2. Collection method: clinical testing. Allele origin: germline. Affected: yes. Observed: 1 variant allele.
Comment: SIX3: PM2, PP3